The following is an entry in ClinVar:

ClinVar aggregate classification (germline): Conflicting classifications of pathogenicity. Review status: criteria provided, conflicting classifications (1 of 4 stars). 3 submissions from 3 submitters: Uncertain significance (1); Benign (1); Likely benign (1). Last evaluated 2026-01-11.

Conditions:
Myopathy, proximal, and ophthalmoplegia (CMYO6). Also called: INCLUSION BODY MYOPATHY 3, AUTOSOMAL DOMINANT; MYOPATHY WITH CONGENITAL JOINT CONTRACTURES, OPHTHALMOPLEGIA, AND RIMMED VACUOLES; CONGENITAL MYOPATHY 6 WITH OPHTHALMOPLEGIA. Identifiers: Orphanet 363677, Orphanet 79091, MedGen C1854106, MONDO:0011577, OMIM 605637.

Allele frequency attached by ClinVar (database versions not stated): TOPMed 0.00236; ESP Exome Variant Server 0.00300; 1000 Genomes Project 0.00399; 1000 Genomes Project 30x 0.00468.
gnomAD v4.1: 644 of 1,614,028 alleles (0.04%); highest among the groups gnomAD compares: African/African-American, 0.77%; 1 homozygote.

Submissions (3):

Labcorp Genetics (formerly Invitae), Labcorp
Classification: Benign for Myopathy, proximal, and ophthalmoplegia. Last evaluated: 2026-01-11. Review status: criteria provided, single submitter. Criteria: Invitae Variant Classification Sherloc (09022015). Collection method: clinical testing. Allele origin: germline.

CeGaT Center for Human Genetics Tuebingen
Classification: Likely benign. Last evaluated: 2023-04-01. Review status: criteria provided, single submitter. Criteria: CeGaT Center For Human Genetics Tuebingen Variant Classification Criteria Version 2. Collection method: clinical testing. Allele origin: germline. Affected: yes. Observed: 2 variant alleles.
Comment: MYH2: BP4, BP7

GeneDx
Classification: Uncertain significance. Last evaluated: 2021-06-10. Review status: criteria provided, single submitter. Criteria: GeneDx Variant Classification Process June 2021. Collection method: clinical testing. Allele origin: germline. Affected: yes.
Comment: Has not been previously published as pathogenic or benign to our knowledge; In-silico analysis is inconclusive as to whether the variant alters gene splicing. In the absence of RNA/functional studies, the actual effect of this sequence change is unknown.

NM_017534.6(MYH2):c.1068G>C (p.Thr356=)

Genes: MYH2 (myosin heavy chain 2; minus strand), MYHAS (myosin heavy chain gene cluster antisense RNA; plus strand). Cytogenetic location: 17p13.1.
Variant type: single nucleotide variant.
Coding change: c.1068G>C on transcript NM_017534.6 (MANE Select); coding-DNA position 1068, G replaced by C.
Protein change: p.Thr356=; no amino-acid change (threonine 356 retained).
Molecular consequence: synonymous variant.
Genome position (GRCh38, 1-based): chr17:10,540,007, C>G on the plus strand (G>C on the coding strand, the complement: MYH2 is on the minus strand). VCF-style: chr17-10540007-C-G. GRCh37 (hg19) VCF-style: chr17-10443324-C-G.
Other names: c.1068G>C, p.Thr356= (NM_001100112.2).
Identifiers: ClinVar variation 465918 (VCV000465918.36), dbSNP rs116419997, ClinGen allele CA8391456.
Genomic context (GRCh38, chr17:10,540,007, plus strand): 5'-TGCTTGCTCCTCACGCTGCTTTTGCTTAAATTTTAGGTTCCCATAATGCATCACAGCCCC[C>G]GTGAGCTTGTAAATGGAGACCTTTTCTTCATTAGTAAAGCCCAAAATATCAATAGCACTC-3'
Protein context (NP_060004.3, residues 346-366): NEEKVSIYKL[Thr356=]GAVMHYGNLK